The following continues an entry in ClinVar:

NM_000059.4(BRCA2):c.9435_9436del (p.Ser3147fs)

Gene: BRCA2. ClinVar aggregate classification (germline): Pathogenic. Pathogenic (1).

Submissions 20 to 29 of 29:

Laboratory for Molecular Medicine, Mass General Brigham Personalized Medicine
Classification: Pathogenic for Hereditary breast ovarian cancer syndrome. Last evaluated: 2019-10-14. Review status: criteria provided, single submitter. Criteria: ACMG Guidelines, 2015. Collection method: clinical testing. Allele origin: germline. Not counted in ClinVar's aggregate classification.
Comment: The p.Ser3147CysfsX2 variant in BRCA2 has been reported in >20 individuals with breast cancer (Cunningham 2014, Phelan 1996, BIC database). It has also been identified in 1/113672 European chromosomes by gnomAD; however, this frequency is low enough to be consistent with the frequency of hereditary breast and ovarian cancer (HBOC) in the general population. This variant is predicted to cause a frameshift, which alters the protein’s amino acid sequence beginning at position 3147 and leads to a premature termination codon 2 amino acids downstream. This alteration is then predicted to lead to a truncated or absent protein. Loss of function of the BRCA2 gene is an established disease mechanism in autosomal dominant hereditary breast and ovarian cancer syndrome (HBOC). Additionally, this variant was classified as Pathogenic on Sep 8, 2016 by the ClinGen-approved ENIGMA expert panel (Variation ID: 38240). In summary, this variant meets criteria to be classified as pathogenic for autosomal dominant HBOC. ACMG/AMP Criteria applied: PVS1, PM2, PS4.

Illumina Laboratory Services, Illumina
Classification: Pathogenic for BRCA2-Related Disorders. Last evaluated: 2018-08-15. Review status: criteria provided, single submitter. Criteria: ICSL Variant Classification Criteria 09 May 2019. Collection method: clinical testing. Allele origin: germline. Not counted in ClinVar's aggregate classification.
Comment: The BRCA2 c.9435_9436delGT (p.Ser3147CysfsTer2) variant is a frameshift variant that is predicted to cause premature truncation of the protein. The variant was also identified in a heterozygous state in three at-risk individuals with a family history of early-onset breast and ovarian cancer (Lubinski et al. 2004; Machackova et al. 2008; Bellacosa et al. 2010). This variant has not been described in the literature in patients with Fanconi anemia (FA), however, it is generally accepted that heterozygous variants pathogenic for HBOC confer carrier status for FA. Control data are unavailable for this variant which is reported at a frequency of 0.000009 in the European (non-Finnish) population of the Genome Aggregation Database but this is based on one allele in a region of good sequence coverage so the variant is presumed to be rare. Based on the evidence and the potential impact of frameshift variants, the p.Ser3147CysfsTer2 variant is classified as pathogenic for BRCA2-related disorders. This variant was observed by ICSL as part of a predisposition screen in an ostensibly healthy population.

University of Washington Department of Laboratory Medicine, University of Washington
Classification: Pathogenic for Breast-ovarian cancer, familial, susceptibility to, 1. Last evaluated: 2015-11-20. Review status: criteria provided, single submitter. Criteria: Shirts et al. (Genet Med 2016). Collection method: clinical testing. Allele origin: germline. Observed: 1 variant allele. Not counted in ClinVar's aggregate classification.

Consortium of Investigators of Modifiers of BRCA1/2 (CIMBA), c/o University of Cambridge
Classification: Pathogenic for Breast-ovarian cancer, familial, susceptibility to, 2. Last evaluated: 2015-10-02. Review status: criteria provided, single submitter. Criteria: CIMBA Mutation Classification guidelines May 2016. Collection method: clinical testing. Allele origin: germline. Not counted in ClinVar's aggregate classification.

Department of Pathology and Laboratory Medicine, Sinai Health System
Classification: Pathogenic for Hereditary breast ovarian cancer syndrome. Review status: criteria provided, single submitter. Criteria: ACMG Guidelines, 2015. Collection method: clinical testing. Allele origin: germline. Affected: yes. Study: The Canadian Open Genetics Repository (COGR). Not counted in ClinVar's aggregate classification.

CZECANCA consortium
Classification: Pathogenic for Breast and/or ovarian cancer. Last evaluated: 2019-06-11. Review status: no assertion criteria provided. Collection method: clinical testing. Allele origin: germline. Affected: yes. Observed: 3 variant alleles. Not counted in ClinVar's aggregate classification.

Counsyl
Classification: Pathogenic for Breast-ovarian cancer, familial, susceptibility to, 2. Last evaluated: 2015-11-18. Review status: no assertion criteria provided. Collection method: clinical testing. Allele origin: unknown. Not counted in ClinVar's aggregate classification.

Research Molecular Genetics Laboratory, Women's College Hospital, University of Toronto
Classification: Pathogenic for Hereditary breast ovarian cancer syndrome. Last evaluated: 2014-01-31. Review status: no assertion criteria provided. Collection method: research. Allele origin: germline. Affected: yes. Study: The Canadian Open Genetics Repository (COGR). Not counted in ClinVar's aggregate classification.

Sharing Clinical Reports Project (SCRP)
Classification: Pathogenic for Breast-ovarian cancer, familial 2. Last evaluated: 2012-10-10. Review status: no assertion criteria provided. Collection method: clinical testing. Allele origin: germline. Not counted in ClinVar's aggregate classification.

Breast Cancer Information Core (BIC) (BRCA2)
Classification: Pathogenic for Breast-ovarian cancer, familial 2. Last evaluated: 2002-05-29. Review status: no assertion criteria provided. Collection method: clinical testing. Allele origin: germline, unknown. Affected: yes. Observed: 27 variant alleles. Not counted in ClinVar's aggregate classification.

Literature cited by the submitters: PubMed 20104584 (cited by Labcorp Genetics (formerly Invitae), Labcorp); PubMed 8673090 (cited by 9 submitters); PubMed 18489799 (cited by 7 submitters); PubMed 21913181 (cited by 7 submitters); PubMed 22798144 (cited by 10 submitters); PubMed 24504028 (cited by 8 submitters); PubMed 28008555 (cited by 6 submitters); PubMed 20301425 (cited by Variantyx, Inc.); PubMed 24549055 (cited by 3 submitters); PubMed 29446198 (cited by 3 submitters); PubMed 27798748 (cited by 4 submitters); PubMed 36623239 (cited by Quest Diagnostics Nichols Institute San Juan Capistrano); PubMed 29922827 (cited by Quest Diagnostics Nichols Institute San Juan Capistrano); PubMed 28888541 (cited by Quest Diagnostics Nichols Institute San Juan Capistrano); PubMed 33471991 (cited by 3 submitters); PubMed 35464868 (cited by Quest Diagnostics Nichols Institute San Juan Capistrano); PubMed 15131399 (cited by 3 submitters); PubMed 25186627 (cited by Color Diagnostics, LLC DBA Color Health and All of Us Research Program, National Institutes of Health); PubMed 27153395 (cited by Color Diagnostics, LLC DBA Color Health and All of Us Research Program, National Institutes of Health); PubMed 19941162 (cited by Women's Health and Genetics/Laboratory Corporation of America, LabCorp); PubMed 20051372 (cited by Illumina Laboratory Services, Illumina); PubMed 32295079 (cited by CZECANCA consortium).